The following is an entry in ClinVar:

NM_002386.4(MC1R):c.803C>T (p.Pro268Leu)

Gene: MC1R (melanocortin 1 receptor; plus strand). Cytogenetic location: 16q24.3.
Variant type: single nucleotide variant.
Coding change: c.803C>T on transcript NM_002386.4 (MANE Select); coding-DNA position 803, C replaced by T.
Protein change: p.Pro268Leu; replaces proline 268 with leucine.
Molecular consequence: missense variant.
Genome position (GRCh38, 1-based): chr16:89,920,061, C>T. VCF-style: chr16-89920061-C-T. GRCh37 (hg19) VCF-style: chr16-89986469-C-T.
Other names: c.803C>T (NM_002386.3); short protein forms P268L.
Identifiers: ClinVar variation 1009037 (VCV001009037.7), dbSNP rs527697723, ClinGen allele CA8255752.
Genomic context (GRCh38, chr16:89,920,061, plus strand): 5'-GCATTTTCTTCCTCTGCTGGGGCCCCTTCTTCCTGCATCTCACACTCATCGTCCTCTGCC[C>T]CGAGCACCCCACGTGCGGCTGCATCTTCAAGAACTTCAACCTCTTTCTCGCCCTCATCAT-3'
Protein context (NP_002377.4, residues 258-278): FLHLTLIVLC[Pro268Leu]EHPTCGCIFK

ClinVar aggregate classification (germline): Uncertain significance. Review status: criteria provided, multiple submitters, no conflicts (2 of 4 stars). 2 submissions from 2 submitters: Uncertain significance (2). Last evaluated 2025-08-30.

Conditions:
Melanoma, cutaneous malignant, susceptibility to, 5. Also called: Cutaneous malignant melanoma 5. Identifiers: Orphanet 618, MedGen C2751295, MONDO:0013133, OMIM 613099.

gnomAD v4.1: 16 of 1,613,896 alleles (0.00099%); highest among the groups gnomAD compares: Non-Finnish European, 0.0012%; no homozygotes.

Submissions (2):

Ambry Genetics
Classification: Uncertain significance. Last evaluated: 2025-08-30. Review status: criteria provided, single submitter. Criteria: Ambry Variant Classification Scheme 2023. Collection method: clinical testing. Allele origin: germline.
Comment: The p.P268L variant (also known as c.803C>T), located in coding exon 1 of the MC1R gene, results from a C to T substitution at nucleotide position 803. The proline at codon 268 is replaced by leucine, an amino acid with similar properties. This amino acid position is conserved. In addition, the in silico prediction for this alteration is inconclusive. Based on the available evidence, the clinical significance of this variant remains unclear.

Labcorp Genetics (formerly Invitae), Labcorp
Classification: Uncertain significance for Melanoma, cutaneous malignant, susceptibility to, 5. Last evaluated: 2025-07-29. Review status: criteria provided, single submitter. Criteria: Invitae Variant Classification Sherloc (09022015). Collection method: clinical testing. Allele origin: germline.
Comment: This sequence change replaces proline, which is neutral and non-polar, with leucine, which is neutral and non-polar, at codon 268 of the MC1R protein (p.Pro268Leu). This variant is present in population databases (rs527697723, gnomAD 0.007%). This variant has not been reported in the literature in individuals affected with MC1R-related conditions. ClinVar contains an entry for this variant (Variation ID: 1009037). Invitae Evidence Modeling of protein sequence and biophysical properties (such as structural, functional, and spatial information, amino acid conservation, physicochemical variation, residue mobility, and thermodynamic stability) indicates that this missense variant is not expected to disrupt MC1R protein function with a negative predictive value of 80%. In summary, the available evidence is currently insufficient to determine the role of this variant in disease. Therefore, it has been classified as a Variant of Uncertain Significance.